The following is an entry in ClinVar:

NM_012318.3(LETM1):c.1332+4C>T

Gene: LETM1 (leucine zipper and EF-hand containing transmembrane protein 1; minus strand). Cytogenetic location: 4p16.3.
Variant type: single nucleotide variant.
Coding change: c.1332+4C>T on transcript NM_012318.3 (MANE Select); 4 bases into the intron after coding-DNA position 1332, C replaced by T.
Molecular consequence: intron variant.
Genome position (GRCh38, 1-based): chr4:1,823,640, G>A on the plus strand (C>T on the coding strand, the complement: LETM1 is on the minus strand). VCF-style: chr4-1823640-G-A. GRCh37 (hg19) VCF-style: chr4-1825367-G-A.
Identifiers: ClinVar variation 1478192 (VCV001478192.3), dbSNP rs370119171, ClinGen allele CA91268580.

ClinVar aggregate classification (germline): Uncertain significance (1 of 4 stars; one submission).

Allele frequency attached by ClinVar (database versions not stated): gnomAD exomes below 0.00001 and 0.00001; gnomAD 0.00001; TOPMed 0.00002; ESP Exome Variant Server 0.00008.
gnomAD v4.1: 15 of 1,613,450 alleles (0.00093%); highest among the groups gnomAD compares: South Asian, 0.0055%; no homozygotes.

Submission:

Labcorp Genetics (formerly Invitae), Labcorp
Classification: Uncertain significance. Last evaluated: 2021-10-12. Review status: criteria provided, single submitter. Criteria: Invitae Variant Classification Sherloc (09022015). Collection method: clinical testing. Allele origin: germline.
Comment: This sequence change falls in intron 8 of the LETM1 gene. It does not directly change the encoded amino acid sequence of the LETM1 protein. It affects a nucleotide within the consensus splice site. This variant is not present in population databases (ExAC no frequency). This variant has not been reported in the literature in individuals affected with LETM1-related conditions. Variants that disrupt the consensus splice site are a relatively common cause of aberrant splicing (PMID: 17576681, 9536098). Algorithms developed to predict the effect of sequence changes on RNA splicing suggest that this variant is not likely to affect RNA splicing. In summary, the available evidence is currently insufficient to determine the role of this variant in disease. Therefore, it has been classified as a Variant of Uncertain Significance.

Literature cited by the submitters: PubMed 17576681; PubMed 9536098.